The following is an entry in ClinVar:

ClinVar aggregate classification (germline): Uncertain significance (1 of 4 stars; one submission).

Conditions:
Hereditary pancreatitis (PCTT). Also called: PRSS1-Related Hereditary Pancreatitis; Hereditary chronic pancreatitis. Identifiers: Orphanet 676, MedGen C0238339, MONDO:0008185, OMIM 167800.

Submission:

Ambry Genetics
Classification: Uncertain significance for Hereditary pancreatitis. Last evaluated: 2023-07-05. Review status: criteria provided, single submitter. Criteria: Ambry Variant Classification Scheme 2023. Collection method: clinical testing. Allele origin: germline.
Comment: The p.I178L variant (also known as c.532A>C), located in coding exon 5 of the CPA1 gene, results from an A to C substitution at nucleotide position 532. The isoleucine at codon 178 is replaced by leucine, an amino acid with highly similar properties. This amino acid position is conserved. In addition, the in silico prediction for this alteration is inconclusive. Since supporting evidence is limited at this time, the clinical significance of this alteration remains unclear.

NM_001868.4(CPA1):c.532A>C (p.Ile178Leu)

Gene: CPA1 (carboxypeptidase A1; plus strand). Cytogenetic location: 7q32.2.
Variant type: single nucleotide variant.
Coding change: c.532A>C on transcript NM_001868.4 (MANE Select); coding-DNA position 532, A replaced by C.
Protein change: p.Ile178Leu; replaces isoleucine 178 with leucine.
Molecular consequence: missense variant.
Genome position (GRCh38, 1-based): chr7:130,383,439, A>C. VCF-style: chr7-130383439-A-C. GRCh37 (hg19) VCF-style: chr7-130023280-A-C.
Other names: short protein forms I178L.
Identifiers: ClinVar variation 2625438 (VCV002625438.2), dbSNP rs2536008142, ClinGen allele CA369282299.